The following is an entry in ClinVar:

ClinVar aggregate classification (germline): Likely benign (1 of 4 stars; one submission).

Allele frequency attached by ClinVar (database versions not stated): gnomAD exomes 0.00061; 1000 Genomes Project 0.00599; 1000 Genomes Project 30x 0.00640; gnomAD 0.00749 and 0.00805; TOPMed 0.00798.
gnomAD v4.1: 1,985 of 1,467,234 alleles (0.14%); highest among the groups gnomAD compares: African/African-American, 2.5%; 29 homozygotes.

Submission:

GeneDx
Classification: Likely benign. Last evaluated: 2018-06-16. Review status: criteria provided, single submitter. Criteria: GeneDx Variant Classification (06012015). Collection method: clinical testing. Allele origin: germline. Affected: yes.
Comment: This variant is considered likely benign or benign based on one or more of the following criteria: it is a conservative change, it occurs at a poorly conserved position in the protein, it is predicted to be benign by multiple in silico algorithms, and/or has population frequency not consistent with disease.

NM_006059.4(LAMC3):c.3629+68A>G

Gene: LAMC3 (laminin subunit gamma 3; plus strand). Cytogenetic location: 9q34.12.
Variant type: single nucleotide variant.
Coding change: c.3629+68A>G on transcript NM_006059.4 (MANE Select); 68 bases into the intron after coding-DNA position 3629, A replaced by G.
Molecular consequence: intron variant.
Genome position (GRCh38, 1-based): chr9:131,076,033, A>G. VCF-style: chr9-131076033-A-G. GRCh37 (hg19) VCF-style: chr9-133951420-A-G.
Identifiers: ClinVar variation 679400 (VCV000679400.1), dbSNP rs78968670, ClinGen allele CA200672449.